The following is an entry in ClinVar:

NM_006269.2(RP1):c.5185A>T (p.Ser1729Cys)

Genes: RP1 (RP1 axonemal microtubule associated; plus strand), LOC126860392 (CDK7 strongly-dependent group 2 enhancer GRCh37_chr8:55541319-55542518; plus strand). Cytogenetic location: 8q12.1.
Variant type: single nucleotide variant.
Coding change: c.5185A>T on transcript NM_006269.2 (MANE Select); coding-DNA position 5185, A replaced by T.
Protein change: p.Ser1729Cys; replaces serine 1729 with cysteine.
Molecular consequence: missense variant. On other transcripts: intron variant (1).
Genome position (GRCh38, 1-based): chr8:54,629,067, A>T. VCF-style: chr8-54629067-A-T. GRCh37 (hg19) VCF-style: chr8-55541627-A-T.
Other names: c.787+6779A>T (NM_001375654.1); short protein forms S1729C.
Identifiers: ClinVar variation 942707 (VCV000942707.10), dbSNP rs1806171432, ClinGen allele CA370985048.

ClinVar aggregate classification (germline): Uncertain significance (1 of 4 stars; one submission).

Allele frequency attached by ClinVar (database versions not stated): gnomAD exomes below 0.00001.
gnomAD v4.1: 1 of 1,614,156 alleles (0.000062%); highest among the groups gnomAD compares: South Asian, 0.0011%; no homozygotes.

Submission:

Labcorp Genetics (formerly Invitae), Labcorp
Classification: Uncertain significance. Last evaluated: 2019-09-26. Review status: criteria provided, single submitter. Criteria: Invitae Variant Classification Sherloc (09022015). Collection method: clinical testing. Allele origin: germline.
Comment: Algorithms developed to predict the effect of missense changes on protein structure and function are either unavailable or do not agree on the potential impact of this missense change (SIFT: "Tolerated"; PolyPhen-2: "Benign"; Align-GVGD: "Class C0"). In summary, the available evidence is currently insufficient to determine the role of this variant in disease. Therefore, it has been classified as a Variant of Uncertain Significance. This variant has not been reported in the literature in individuals with RP1-related conditions. This variant is not present in population databases (ExAC no frequency). This sequence change replaces serine with cysteine at codon 1729 of the RP1 protein (p.Ser1729Cys). The serine residue is weakly conserved and there is a moderate physicochemical difference between serine and cysteine.